The following is an entry in ClinVar:

NM_023110.3(FGFR1):c.-89+3248T>A

Gene: FGFR1 (fibroblast growth factor receptor 1; minus strand). Cytogenetic location: 8p11.23.
Variant type: single nucleotide variant.
Coding change: c.-89+3248T>A on transcript NM_023110.3 (MANE Select); 3248 bases into the intron after 89 bases upstream of the start codon, T replaced by A.
Molecular consequence: intron variant.
Genome position (GRCh38, 1-based): chr8:38,464,733, A>T on the plus strand (T>A on the coding strand, the complement: FGFR1 is on the minus strand). VCF-style: chr8-38464733-A-T. GRCh37 (hg19) VCF-style: chr8-38322251-A-T.
Other names: c.-89+3248T>A (NM_001354368.2, NM_001354370.2, NM_023106.3 and 4 more transcripts); c.-181+3248T>A (NM_001174064.2); c.-89+2939T>A (NM_001174066.2, NM_001354369.2, NM_001174065.2); c.-150+2939T>A (NM_001174067.2).
Identifiers: ClinVar variation 1711672 (VCV001711672.30), dbSNP rs539461117, ClinGen allele CA175775334.
Genomic context (GRCh38, chr8:38,464,733, plus strand): 5'-ACAAAGCTCTGGGGAAGACAAATGTAAGACACAAATTTCCCAGGAGGAAATTAAACTATC[A>T]AGTGATGTGAGGCCCTTTCAGAATAAGACATTTGAATCAATTCTAACTCCTTTTCCTCCA-3'

ClinVar aggregate classification (germline): Benign (1 of 4 stars; one submission).

Allele frequency attached by ClinVar (database versions not stated): 1000 Genomes Project 30x 0.00016; gnomAD 0.00025; TOPMed 0.00049.
gnomAD v4.1: 40 of 152,308 alleles (0.026%); highest among the groups gnomAD compares: Admixed American, 0.12%; no homozygotes.

Submission:

CeGaT Center for Human Genetics Tuebingen
Classification: Benign. Last evaluated: 2022-08-01. Review status: criteria provided, single submitter. Criteria: CeGaT Center For Human Genetics Tuebingen Variant Classification Criteria Version 2. Collection method: clinical testing. Allele origin: germline. Affected: yes. Observed: 1 variant allele.
Comment: FGFR1: BS1, BS2